The following is an entry in ClinVar:

NM_013254.4(TBK1):c.1733del (p.Asn578fs)

Gene: TBK1 (TANK binding kinase 1; plus strand). Cytogenetic location: 12q14.2.
Variant type: Deletion.
Coding change: c.1733del on transcript NM_013254.4 (MANE Select); coding-DNA position 1733, one base deleted (A; older notation c.1733delA).
Protein change: p.Asn578fs; shifts the reading frame from asparagine 578.
Molecular consequence: frameshift variant.
Genome position (GRCh38, 1-based): chr12:64,496,379, A deleted; the last of 2 consecutive A bases (chr12:64,496,378-64,496,379); deleting either gives the same sequence. VCF-style (leftmost placement, unchanged base first): chr12-64496377-TA-T. GRCh37 (hg19) VCF-style: chr12-64890157-TA-T.
Other names: short protein forms N578fs.
Identifiers: ClinVar variation 4823639 (VCV004823639.4).

ClinVar aggregate classification (germline): Pathogenic (1 of 4 stars; one submission).

Submission:

CeGaT Center for Human Genetics Tuebingen
Classification: Pathogenic. Last evaluated: 2026-03-01. Review status: criteria provided, single submitter. Criteria: CeGaT Center For Human Genetics Tuebingen Variant Classification Criteria Version 2. Collection method: clinical testing. Allele origin: germline. Affected: yes. Observed: 1 variant allele.
Comment: TBK1: PVS1, PM2